The following is an entry in ClinVar:

NM_018139.3(DNAAF2):c.484C>T (p.Gln162Ter)

Gene: DNAAF2 (dynein axonemal assembly factor 2; minus strand). Cytogenetic location: 14q21.3.
Variant type: single nucleotide variant.
Coding change: c.484C>T on transcript NM_018139.3 (MANE Select); coding-DNA position 484, C replaced by T.
Protein change: p.Gln162Ter; replaces glutamine 162 with a stop codon.
Molecular consequence: nonsense.
Genome position (GRCh38, 1-based): chr14:49,634,666, G>A on the plus strand (C>T on the coding strand, the complement: DNAAF2 is on the minus strand). VCF-style: chr14-49634666-G-A. GRCh37 (hg19) VCF-style: chr14-50101384-G-A.
Other names: c.484C>T, p.Gln162Ter (NM_001083908.2); short protein forms Q162*.
Identifiers: ClinVar variation 525367 (VCV000525367.1), dbSNP rs1555328087, ClinGen allele CA389631757.

ClinVar aggregate classification (germline): Pathogenic (1 of 4 stars; one submission).

Conditions:
Primary ciliary dyskinesia. Also called: Ciliary dyskinesia. Identifiers: Orphanet 244, MedGen C0008780, MONDO:0016575, HP:0012265.

Submission:

Labcorp Genetics (formerly Invitae), Labcorp
Classification: Pathogenic for Primary ciliary dyskinesia. Last evaluated: 2017-10-12. Review status: criteria provided, single submitter. Criteria: Invitae Variant Classification Sherloc (09022015). Collection method: clinical testing. Allele origin: germline.
Comment: This sequence change creates a premature translational stop signal (p.Gln162*) in the DNAAF2 gene. It is expected to result in an absent or disrupted protein product. This variant is not present in population databases (ExAC no frequency). This variant has not been reported in the literature in individuals with DNAAF2-related disease. Loss-of-function variants in DNAAF2 are known to be pathogenic (PMID: 19052621). For these reasons, this variant has been classified as Pathogenic.